The following is an entry in ClinVar:

NM_005591.4(MRE11):c.1225+10T>G

Gene: MRE11 (MRE11 double strand break repair nuclease; minus strand). Cytogenetic location: 11q21.
Variant type: single nucleotide variant.
Coding change: c.1225+10T>G on transcript NM_005591.4 (MANE Select); 10 bases into the intron after coding-DNA position 1225, T replaced by G.
Molecular consequence: intron variant.
Genome position (GRCh38, 1-based): chr11:94,464,103, A>C on the plus strand (T>G on the coding strand, the complement: MRE11 is on the minus strand). VCF-style: chr11-94464103-A-C. GRCh37 (hg19) VCF-style: chr11-94197269-A-C.
Other names: c.1225+10T>G (NM_001330347.2, NM_005590.4).
Identifiers: ClinVar variation 216606 (VCV000216606.17), dbSNP rs863224734, ClinGen allele CA339507.

ClinVar aggregate classification (germline): Conflicting classifications of pathogenicity. Review status: criteria provided, conflicting classifications (1 of 4 stars). 3 submissions from 3 submitters: Uncertain significance (2); Likely benign (1). Last evaluated 2024-03-17.

Conditions:
Ataxia-telangiectasia-like disorder (ATLD). Identifiers: MedGen C1858391, MONDO:0011457.
Ataxia-telangiectasia-like disorder 1 (ATLD1). Identifiers: Orphanet 251347, MedGen C4012790, MONDO:0024557, OMIM 604391.

Allele frequency attached by ClinVar (database versions not stated): gnomAD 0.00001; gnomAD exomes 0.00001; TOPMed 0.00001.
gnomAD v4.1: 9 of 1,612,098 alleles (0.00056%); highest among the groups gnomAD compares: Non-Finnish European, 0.00076%; no homozygotes.

Submissions (3):

Labcorp Genetics (formerly Invitae), Labcorp
Classification: Likely benign for Ataxia-telangiectasia-like disorder. Last evaluated: 2024-03-17. Review status: criteria provided, single submitter. Criteria: Invitae Variant Classification Sherloc (09022015). Collection method: clinical testing. Allele origin: germline.

ARUP Laboratories, Molecular Genetics and Genomics, ARUP Laboratories
Classification: Uncertain significance for Ataxia-telangiectasia-like disorder 1. Last evaluated: 2021-11-03. Review status: criteria provided, single submitter. Criteria: ARUP Molecular Germline Variant Investigation Process 2021. Collection method: clinical testing. Allele origin: germline.
Comment: The MRE11 c.1225+10T>G variant (rs863224734), to our knowledge, is not reported in the medical literature but is reported in ClinVar (Variation ID: 216606). This variant is absent from general population databases (Exome Variant Server, Genome Aggregation Database), indicating it is not a common polymorphism. This is an intronic variant in a weakly conserved nucleotide, and computational analyses (Alamut v.2.11) predict that this variant may impact splicing by creating a novel cryptic donor splice, although RNA studies would be required to confirm an effect on splicing. Given the lack of clinical and functional data, the significance of the c.1225+10T>G variant is uncertain at this time.

Illumina Laboratory Services, Illumina
Classification: Uncertain significance for Ataxia-telangiectasia-like disorder 1. Last evaluated: 2018-01-13. Review status: criteria provided, single submitter. Criteria: ICSL Variant Classification Criteria 13 December 2019. Collection method: clinical testing. Allele origin: germline.